The following is an entry in ClinVar:

ClinVar aggregate classification (germline): Conflicting classifications of pathogenicity. Review status: criteria provided, conflicting classifications (1 of 4 stars). 2 submissions from 2 submitters: Uncertain significance (1); Likely benign (1). Last evaluated 2023-03-23.

Conditions:
Hereditary cancer-predisposing syndrome. Also called: Neoplastic Syndromes, Hereditary; Tumor predisposition; Hereditary Cancer Syndrome; Hereditary neoplastic syndrome. Identifiers: Orphanet 140162, MedGen C0027672, MeSH D009386, MONDO:0015356.

Submissions (2):

University of Washington Department of Laboratory Medicine, University of Washington
Classification: Likely benign for Hereditary cancer-predisposing syndrome. Last evaluated: 2023-03-23. Review status: criteria provided, single submitter. Criteria: Dines et al. (Genet Med. 2020). Collection method: curation. Allele origin: germline.
Comment: Missense variant in a coldspot region where missense variants are very unlikely to be pathogenic (PMID:31911673).

BRCA1 coldspot (exon 11 using historical exon numbering). Reclassification based on statistical prior probability

Ambry Genetics
Classification: Uncertain significance for Hereditary cancer-predisposing syndrome. Last evaluated: 2019-03-11. Review status: criteria provided, single submitter. Criteria: Ambry Variant Classification Scheme 2023. Collection method: clinical testing. Allele origin: germline.
Comment: The p.N704H variant (also known as c.2110A>C), located in coding exon 9 of the BRCA1 gene, results from an A to C substitution at nucleotide position 2110. The asparagine at codon 704 is replaced by histidine, an amino acid with similar properties. This amino acid position is not well conserved in available vertebrate species. In addition, the in silico prediction for this alteration is inconclusive. Since supporting evidence is limited at this time, the clinical significance of this alteration remains unclear.

NM_007294.4(BRCA1):c.2110A>C (p.Asn704His)

Gene: BRCA1 (BRCA1 DNA repair associated; minus strand). Cytogenetic location: 17q21.31.
Variant type: single nucleotide variant.
Coding change: c.2110A>C on transcript NM_007294.4 (MANE Select); coding-DNA position 2110, A replaced by C.
Protein change: p.Asn704His; replaces asparagine 704 with histidine.
Molecular consequence: missense variant. On other transcripts: intron variant (137).
Genome position (GRCh38, 1-based): chr17:43,093,421, T>G on the plus strand (A>C on the coding strand, the complement: BRCA1 is on the minus strand). VCF-style: chr17-43093421-T-G. GRCh37 (hg19) VCF-style: chr17-41245438-T-G.
Other names: c.2107A>C, p.Asn703His (NM_001407613.1, NM_001407614.1, NM_001407615.1 and 22 more transcripts); c.2110A>C, p.Asn704His (NM_001407616.1, NM_001407617.1, NM_001407618.1 and 30 more transcripts); c.1897A>C, p.Asn633His (NM_001407571.1, NM_001407853.1, NM_001407894.1 and 9 more transcripts); c.1777A>C, p.Asn593His (NM_001407946.1, NM_001407947.1, NM_001407948.1 and 6 more transcripts); c.1774A>C, p.Asn592His (NM_001407954.1, NM_001407955.1, NM_001407956.1 and 1 more transcripts); c.2101A>C, p.Asn701His (NM_001407646.1, NM_001407647.1); c.1987A>C, p.Asn663His (NM_001407648.1, NM_001407664.1, NM_001407665.1 and 19 more transcripts); c.1984A>C, p.Asn662His (NM_001407649.1, NM_001407670.1, NM_001407671.1 and 11 more transcripts); and 41 more; short protein forms N704H, N657H, N577H, N592H, N633H, N662H, N703H, N637H.
Identifiers: ClinVar variation 820741 (VCV000820741.7), dbSNP rs1597872096, ClinGen allele CA10597784.